The following is an entry in ClinVar:

NM_013436.5(NCKAP1):c.2143C>A (p.Arg715Ser)

Gene: NCKAP1 (NCK associated protein 1; minus strand). Cytogenetic location: 2q32.1.
Variant type: single nucleotide variant.
Coding change: c.2143C>A on transcript NM_013436.5 (MANE Select); coding-DNA position 2143, C replaced by A.
Protein change: p.Arg715Ser; replaces arginine 715 with serine.
Molecular consequence: missense variant.
Genome position (GRCh38, 1-based): chr2:182,956,472, G>T on the plus strand (C>A on the coding strand, the complement: NCKAP1 is on the minus strand). VCF-style: chr2-182956472-G-T. GRCh37 (hg19) VCF-style: chr2-183821200-G-T.
Other names: c.2137C>A, p.Arg713Ser (NM_001437266.1); c.2155C>A, p.Arg719Ser (NM_001437267.1); c.2161C>A, p.Arg721Ser (NM_205842.3); short protein forms R713S, R715S, R719S, R721S.
Identifiers: ClinVar variation 4292576 (VCV004292576.1).

ClinVar aggregate classification (germline): Uncertain significance (1 of 4 stars; one submission).

Conditions:
NCKAP1-related neurodevelopmental disorder with autism features.

gnomAD v4.1: 1 of 1,609,698 alleles (0.000062%); highest among the groups gnomAD compares: Non-Finnish European, 0.000085%; no homozygotes.

Submission:

3billion
Classification: Uncertain significance for NCKAP1-related neurodevelopmental disorder with autism features. Last evaluated: 2024-07-31. Review status: criteria provided, single submitter. Criteria: ACMG Guidelines, 2015. Collection method: clinical testing. Allele origin: germline. Affected: yes.
Comment: The variant is observed at an extremely low frequency in the gnomAD v4.0.0 dataset (total allele frequency: <0.001%). Predicted Consequence/Location: Missense variant In silico tool predictions suggest damaging effect of the variant on gene or gene product [3Cnet: 0.99 (>=0.6, sensitivity 0.72 and precision 0.9)]. Therefore, this variant is classified as VUS according to the recommendation of ACMG/AMP guideline.